The following is an entry in ClinVar:

NM_004281.4(BAG3):c.550T>G (p.Ser184Ala)

Gene: BAG3 (BAG cochaperone 3; plus strand). Cytogenetic location: 10q26.11.
Variant type: single nucleotide variant.
Coding change: c.550T>G on transcript NM_004281.4 (MANE Select); coding-DNA position 550, T replaced by G.
Protein change: p.Ser184Ala; replaces serine 184 with alanine.
Molecular consequence: missense variant.
Genome position (GRCh38, 1-based): chr10:119,672,297, T>G. VCF-style: chr10-119672297-T-G. GRCh37 (hg19) VCF-style: chr10-121431809-T-G.
Other names: short protein forms S184A.
Identifiers: ClinVar variation 2633727 (VCV002633727.4), dbSNP rs1847161262, ClinGen allele CA378295321.

ClinVar aggregate classification (germline): Uncertain significance. Review status: criteria provided, multiple submitters, no conflicts (2 of 4 stars). 2 submissions from 2 submitters: Uncertain significance (2). Last evaluated 2024-07-02.

Conditions:
BAG3-related disorder. Also called: BAG3-related condition.
Myofibrillar myopathy 6. Identifiers: Orphanet 199340, MedGen C2751831, MONDO:0013061, OMIM 612954.
Dilated cardiomyopathy 1HH (CMD1HH). Identifiers: Orphanet 154, MedGen C3151293, MONDO:0013479, OMIM 613881.

Allele frequency attached by ClinVar (database versions not stated): gnomAD 0.00001.

Submissions (2):

Labcorp Genetics (formerly Invitae), Labcorp
Classification: Uncertain significance for Dilated cardiomyopathy 1HH; Myofibrillar myopathy 6. Last evaluated: 2024-07-02. Review status: criteria provided, single submitter. Criteria: Invitae Variant Classification Sherloc (09022015). Collection method: clinical testing. Allele origin: germline.
Comment: This sequence change replaces serine, which is neutral and polar, with alanine, which is neutral and non-polar, at codon 184 of the BAG3 protein (p.Ser184Ala). This variant is not present in population databases (gnomAD no frequency). This variant has not been reported in the literature in individuals affected with BAG3-related conditions. ClinVar contains an entry for this variant (Variation ID: 2633727). Advanced modeling of protein sequence and biophysical properties (such as structural, functional, and spatial information, amino acid conservation, physicochemical variation, residue mobility, and thermodynamic stability) performed at Invitae indicates that this missense variant is not expected to disrupt BAG3 protein function with a negative predictive value of 80%. In summary, the available evidence is currently insufficient to determine the role of this variant in disease. Therefore, it has been classified as a Variant of Uncertain Significance.

PreventionGenetics, part of Exact Sciences
Classification: Uncertain significance for BAG3-related condition. Last evaluated: 2023-03-23. Review status: criteria provided, single submitter. Criteria: ACMG Guidelines, 2015. Collection method: clinical testing. Allele origin: germline.
Comment: The BAG3 c.550T>G variant is predicted to result in the amino acid substitution p.Ser184Ala. To our knowledge, this variant has not been reported in the literature or in a large population database, indicating this variant is rare. At this time, the clinical significance of this variant is uncertain due to the absence of conclusive functional and genetic evidence.